The following is an entry in ClinVar:

ClinVar aggregate classification (germline): Uncertain significance (1 of 4 stars; one submission).

Submission:

GeneDx
Classification: Uncertain significance. Last evaluated: 2025-04-21. Review status: criteria provided, single submitter. Criteria: GeneDx Variant Classification Process June 2021. Collection method: clinical testing. Allele origin: germline. Affected: yes.
Comment: Not observed at significant frequency in large population cohorts (gnomAD); In silico analysis indicates that this missense variant does not alter protein structure/function; Has not been previously published as pathogenic or benign to our knowledge

NM_001136157.2(OTUD5):c.1282A>T (p.Thr428Ser)

Gene: OTUD5 (OTU deubiquitinase 5; minus strand). Cytogenetic location: Xp11.23.
Variant type: single nucleotide variant.
Coding change: c.1282A>T on transcript NM_001136157.2 (MANE Select); coding-DNA position 1282, A replaced by T.
Protein change: p.Thr428Ser; replaces threonine 428 with serine.
Molecular consequence: missense variant.
Genome position (GRCh38, 1-based): chrX:48,924,034, T>A on the plus strand (A>T on the coding strand, the complement: OTUD5 is on the minus strand). VCF-style: chrX-48924034-T-A. GRCh37 (hg19) VCF-style: chrX-48781311-T-A.
Other names: c.1282A>T, p.Thr428Ser (NM_001136158.2); c.631A>T, p.Thr211Ser (NM_001136159.2); c.1297A>T, p.Thr433Ser (NM_017602.4); short protein forms T211S, T428S, T433S.
Identifiers: ClinVar variation 4527138 (VCV004527138.1).